The following is an entry in ClinVar:

ClinVar aggregate classification (germline): Conflicting classifications of pathogenicity. Review status: criteria provided, conflicting classifications (1 of 4 stars). 9 submissions from 6 submitters: Likely pathogenic (1); Uncertain significance (7). 1 of the submissions does not count toward it. Last evaluated 2023-11-01.

Conditions:
Muscular atrophy. Also called: Skeletal muscle atrophy; Muscle atrophy. Identifiers: MedGen C0541794, MONDO:0004323, HP:0003202.
skeletal contractures.
Congenital myopathy 18. Also called: Myopathy, congenital, due to dihydropyridine receptor defect; DIHYDROPYRIDINE RECEPTOR CONGENITAL MYOPATHY; DHPR CONGENITAL MYOPATHY. Identifiers: MedGen C5830283, MONDO:0859514, OMIM 620246.
Hypokalemic periodic paralysis, type 1. Also called: HypoPP; Hypokalemic Periodic Paralysis Type 1 (AD). Identifiers: Orphanet 681, MedGen C3714580, MONDO:0042979, OMIM 170400.
Malignant hyperthermia, susceptibility to, 5 (MHS5). Also called: CACNA1S-Related Malignant Hyperthermia Susceptibility. Identifiers: Orphanet 423, MedGen C1866077, MONDO:0011163, OMIM 601887.
Thyrotoxic periodic paralysis, susceptibility to, 1 (TTPP1). Identifiers: Orphanet 79102, MedGen C2749982, MONDO:0008570, OMIM 188580.

Allele frequency attached by ClinVar (database versions not stated): gnomAD exomes below 0.00001; gnomAD 0.00001; TOPMed 0.00001.
gnomAD v4.1: 4 of 1,554,540 alleles (0.00026%); highest among the groups gnomAD compares: East Asian, 0.0024%; no homozygotes.

Submissions (9):

CeGaT Center for Human Genetics Tuebingen
Classification: Likely pathogenic. Last evaluated: 2023-11-01. Review status: criteria provided, single submitter. Criteria: CeGaT Center For Human Genetics Tuebingen Variant Classification Criteria Version 2. Collection method: clinical testing. Allele origin: germline. Affected: yes. Observed: 1 variant allele.
Comment: CACNA1S: PM2, PM3, PM5, PP3

All of Us Research Program, National Institutes of Health
Classification: Uncertain significance for Malignant hyperthermia, susceptibility to, 5. Last evaluated: 2023-08-15. Review status: criteria provided, single submitter. Criteria: ACMG Guidelines, 2015. Collection method: clinical testing. Allele origin: germline. Inheritance: Autosomal dominant inheritance. Observed: 1 variant allele, 1 heterozygote.
Comment: This study involves interpretation of variants in research participants for the purpose of population health screening. Participant phenotype was not available at the time of variant classification. Additional details can be found in publication PMID: 35346344, PMCID: PMC8962531

Genome-Nilou Lab
Classification: Uncertain significance for Malignant hyperthermia, susceptibility to, 5. Last evaluated: 2023-04-11. Review status: criteria provided, single submitter. Criteria: ACMG Guidelines, 2015. Collection method: clinical testing. Allele origin: germline. Affected: no.

Genome-Nilou Lab
Classification: Uncertain significance for Thyrotoxic periodic paralysis, susceptibility to, 1. Last evaluated: 2023-04-11. Review status: criteria provided, single submitter. Criteria: ACMG Guidelines, 2015. Collection method: clinical testing. Allele origin: germline. Affected: no.

Genome-Nilou Lab
Classification: Uncertain significance for Congenital myopathy 18. Last evaluated: 2023-04-11. Review status: criteria provided, single submitter. Criteria: ACMG Guidelines, 2015. Collection method: clinical testing. Allele origin: germline. Affected: no.

Genome-Nilou Lab
Classification: Uncertain significance for Hypokalemic periodic paralysis, type 1. Last evaluated: 2023-04-11. Review status: criteria provided, single submitter. Criteria: ACMG Guidelines, 2015. Collection method: clinical testing. Allele origin: germline. Affected: no.

Revvity Omics, Revvity
Classification: Uncertain significance. Last evaluated: 2022-01-20. Review status: criteria provided, single submitter. Criteria: ACMG Guidelines, 2015. Collection method: clinical testing. Allele origin: germline.

Broad Center for Mendelian Genomics, Broad Institute of MIT and Harvard
Classification: Uncertain significance for skeletal muscle atrophy; skeletal contractures. Last evaluated: 2020-05-29. Review status: criteria provided, single submitter. Criteria: ACMG Guidelines, 2015. Collection method: research. Allele origin: germline. Inheritance: Autosomal recessive inheritance.
Comment: The homozygous p.Arg789His variant in CACNA1S was identified by our study in 2 siblings with skeletal muscle atrophy and contractures. This variant has been identified in 0.0013% (1/75812) of European (Non-Finnish) chromosomes by the Genome Aggregation Database (gnomAD). Although this variant has been seen in the general population, its frequency is low enough to be consistent with a recessive carrier frequency. Computational prediction tools and conservation analyses suggest that this variant may impact the protein, though this information is not predictive enough to determine pathogenicity. In summary, while there is some suspicion for a pathogenic role, the clinical significance of this variant is uncertain. ACMG/AMP Criteria applied: PM2, PM3_supporting, PP3 (Richards 2015).

OMIM
Classification: Pathogenic for CONGENITAL MYOPATHY 18, AUTOSOMAL RECESSIVE. Last evaluated: 2024-07-16. Review status: no assertion criteria provided. Collection method: literature only. Allele origin: germline. Not counted in ClinVar's aggregate classification.

Literature cited by the submitters: PubMed 31227654 (cited by Broad Center for Mendelian Genomics, Broad Institute of MIT and Harvard and OMIM).

NM_000069.3(CACNA1S):c.2366G>A (p.Arg789His)

Gene: CACNA1S (calcium voltage-gated channel subunit alpha1 S; minus strand). Cytogenetic location: 1q32.1.
Variant type: single nucleotide variant.
Coding change: c.2366G>A on transcript NM_000069.3 (MANE Select); coding-DNA position 2366, G replaced by A.
Protein change: p.Arg789His; replaces arginine 789 with histidine.
Molecular consequence: missense variant.
Genome position (GRCh38, 1-based): chr1:201,069,596, C>T on the plus strand (G>A on the coding strand, the complement: CACNA1S is on the minus strand). VCF-style: chr1-201069596-C-T. GRCh37 (hg19) VCF-style: chr1-201038724-C-T.
Other names: CACNA1S, ARG789HIS (rs1157720606); short protein forms R789H.
Identifiers: ClinVar variation 977156 (VCV000977156.30), dbSNP rs1157720606, ClinGen allele CA344108070.